The following is an entry in ClinVar:

ClinVar aggregate classification (germline): Uncertain significance (1 of 4 stars; one submission).

Submission:

Labcorp Genetics (formerly Invitae), Labcorp
Classification: Uncertain significance. Last evaluated: 2021-09-06. Review status: criteria provided, single submitter. Criteria: Invitae Variant Classification Sherloc (09022015). Collection method: clinical testing. Allele origin: germline.
Comment: This variant is not present in population databases (ExAC no frequency). This sequence change replaces glutamic acid with glycine at codon 398 of the DHX38 protein (p.Glu398Gly). The glutamic acid residue is highly conserved and there is a moderate physicochemical difference between glutamic acid and glycine. This variant has not been reported in the literature in individuals affected with DHX38-related conditions. In summary, the available evidence is currently insufficient to determine the role of this variant in disease. Therefore, it has been classified as a Variant of Uncertain Significance. Algorithms developed to predict the effect of missense changes on protein structure and function are either unavailable or do not agree on the potential impact of this missense change (SIFT: "Deleterious"; PolyPhen-2: "Possibly Damaging"; Align-GVGD: "Class C15").

NM_014003.4(DHX38):c.1193A>G (p.Glu398Gly)

Gene: DHX38 (DEAH-box helicase 38; plus strand). Cytogenetic location: 16q22.2.
Variant type: single nucleotide variant.
Coding change: c.1193A>G on transcript NM_014003.4 (MANE Select); coding-DNA position 1193, A replaced by G.
Protein change: p.Glu398Gly; replaces glutamic acid 398 with glycine.
Molecular consequence: missense variant.
Genome position (GRCh38, 1-based): chr16:72,100,512, A>G. VCF-style: chr16-72100512-A-G. GRCh37 (hg19) VCF-style: chr16-72134411-A-G.
Other names: short protein forms E398G.
Identifiers: ClinVar variation 1489016 (VCV001489016.6), dbSNP rs2144143835, ClinGen allele CA396705298.
Genomic context (GRCh38, chr16:72,100,512, plus strand): 5'-AGACAAACCGCATGCTCACCAGTGGGGTGGTCCATCGGCTGGAGGTGGATGAGGACTTTG[A>G]AGAGGACAACGCGGCCAAGGTGCATCTGATGGTGCACAATCTGGTGCCTCCCTTTCTGGA-3'
Protein context (NP_054722.2, residues 388-408): VHRLEVDEDF[Glu398Gly]EDNAAKVHLM